The following is an entry in ClinVar:

NM_004393.6(DAG1):c.23C>T (p.Ser8Leu)

Gene: DAG1 (dystroglycan 1; plus strand). Cytogenetic location: 3p21.31.
Variant type: single nucleotide variant.
Coding change: c.23C>T on transcript NM_004393.6 (MANE Select); coding-DNA position 23, C replaced by T.
Protein change: p.Ser8Leu; replaces serine 8 with leucine.
Molecular consequence: missense variant.
Genome position (GRCh38, 1-based): chr3:49,510,557, C>T. VCF-style: chr3-49510557-C-T. GRCh37 (hg19) VCF-style: chr3-49547990-C-T.
Other names: c.23C>T, p.Ser8Leu (NM_001165928.4, NM_001177634.3, NM_001177635.3 and 9 more transcripts); c.23C>T (NM_004393.4); short protein forms S8L.
Identifiers: ClinVar variation 582771 (VCV000582771.7), dbSNP rs199501149, ClinGen allele CA2398804.

ClinVar aggregate classification (germline): Uncertain significance. Review status: criteria provided, multiple submitters, no conflicts (2 of 4 stars). 3 submissions from 3 submitters: Uncertain significance (3). Last evaluated 2023-05-25.

Conditions:
Inborn genetic diseases. Identifiers: MedGen C0950123, MeSH D030342.
Autosomal recessive limb-girdle muscular dystrophy type 2P. Also called: MUSCULAR DYSTROPHY-DYSTROGLYCANOPATHY, LIMB-GIRDLE, DAG1-RELATED; MUSCULAR DYSTROPHY, LIMB-GIRDLE, TYPE 2P; Limb-Girdle Muscular Dystrophy Type 9C. Identifiers: Orphanet 280333, MedGen C4511963, MONDO:0013440, OMIM 613818.
Muscular dystrophy-dystroglycanopathy (congenital with brain and eye anomalies), type A9. Also called: WALKER-WARBURG SYNDROME OR MUSCLE-EYE BRAIN DISEASE, DAG1-RELATED; Muscular dystrophy-dystroglycanopathy (congenital with brain and eye anomalies), type a, 9. Identifiers: Orphanet 370997, Orphanet 899, MedGen C4225291, MONDO:0014683, OMIM 616538.

Allele frequency attached by ClinVar (database versions not stated): gnomAD 0.00001; ExAC 0.00002; gnomAD exomes 0.00002; 1000 Genomes Project 30x 0.00016; 1000 Genomes Project 0.00020.
gnomAD v4.1: 29 of 1,613,626 alleles (0.0018%); highest among the groups gnomAD compares: East Asian, 0.022%; no homozygotes.

Submissions (3):

Revvity Omics, Revvity
Classification: Uncertain significance. Last evaluated: 2023-05-25. Review status: criteria provided, single submitter. Criteria: ACMG Guidelines, 2015. Collection method: clinical testing. Allele origin: germline.

Labcorp Genetics (formerly Invitae), Labcorp
Classification: Uncertain significance for Autosomal recessive limb-girdle muscular dystrophy type 2P; Muscular dystrophy-dystroglycanopathy (congenital with brain and eye anomalies), type A9. Last evaluated: 2021-09-01. Review status: criteria provided, single submitter. Criteria: Invitae Variant Classification Sherloc (09022015). Collection method: clinical testing. Allele origin: germline.
Comment: This sequence change replaces serine with leucine at codon 8 of the DAG1 protein (p.Ser8Leu). The serine residue is weakly conserved and there is a large physicochemical difference between serine and leucine. This variant is present in population databases (rs199501149, ExAC 0.005%). This variant has not been reported in the literature in individuals affected with DAG1-related conditions. Algorithms developed to predict the effect of missense changes on protein structure and function output the following: SIFT: "Tolerated"; PolyPhen-2: "Benign"; Align-GVGD: "Class C0". The leucine amino acid residue is found in multiple mammalian species, which suggests that this missense change does not adversely affect protein function. In summary, the available evidence is currently insufficient to determine the role of this variant in disease. Therefore, it has been classified as a Variant of Uncertain Significance.

Ambry Genetics
Classification: Uncertain significance for Inborn genetic diseases. Last evaluated: 2021-07-20. Review status: criteria provided, single submitter. Criteria: Ambry Variant Classification Scheme 2023. Collection method: clinical testing. Allele origin: germline.